The following is an entry in ClinVar:

ClinVar aggregate classification (germline): Uncertain significance (1 of 4 stars; one submission).

Submission:

GeneDx
Classification: Uncertain significance. Last evaluated: 2024-07-09. Review status: criteria provided, single submitter. Criteria: GeneDx Variant Classification Process June 2021. Collection method: clinical testing. Allele origin: germline. Affected: yes.
Comment: Not observed at significant frequency in large population cohorts (gnomAD); In silico analysis supports that this missense variant has a deleterious effect on protein structure/function; Has not been previously published as pathogenic or benign to our knowledge

NM_013275.6(ANKRD11):c.6358T>G (p.Trp2120Gly)

Gene: ANKRD11 (ankyrin repeat domain containing 11; minus strand). Cytogenetic location: 16q24.3.
Variant type: single nucleotide variant.
Coding change: c.6358T>G on transcript NM_013275.6 (MANE Select); coding-DNA position 6358, T replaced by G.
Protein change: p.Trp2120Gly; replaces tryptophan 2120 with glycine.
Molecular consequence: missense variant.
Genome position (GRCh38, 1-based): chr16:89,280,184, A>C on the plus strand (T>G on the coding strand, the complement: ANKRD11 is on the minus strand). VCF-style: chr16-89280184-A-C. GRCh37 (hg19) VCF-style: chr16-89346592-A-C.
Other names: c.6358T>G, p.Trp2120Gly (NM_001256182.2, NM_001256183.2); short protein forms W2120G.
Identifiers: ClinVar variation 3572484 (VCV003572484.1).